The following is an entry in ClinVar:

ClinVar aggregate classification (germline): Likely pathogenic (1 of 4 stars; one submission).

Submission:

GeneDx
Classification: Likely pathogenic. Last evaluated: 2024-12-20. Review status: criteria provided, single submitter. Criteria: GeneDx Variant Classification Process June 2021. Collection method: clinical testing. Allele origin: germline. Affected: yes.
Comment: Not observed at significant frequency in large population cohorts (gnomAD); In silico analysis supports that this missense variant has a deleterious effect on protein structure/function; Has not been previously published as pathogenic or benign to our knowledge

NM_130839.5(UBE3A):c.2602G>A (p.Gly868Arg)

Genes: SNHG14 (small nucleolar RNA host gene 14; plus strand), UBE3A (ubiquitin protein ligase E3A; minus strand). Cytogenetic location: 15q11.2.
Variant type: single nucleotide variant.
Coding change: c.2602G>A on transcript NM_130839.5 (MANE Select); coding-DNA position 2602, G replaced by A.
Protein change: p.Gly868Arg; replaces glycine 868 with arginine.
Molecular consequence: missense variant. On other transcripts: non-coding transcript variant (1).
Genome position (GRCh38, 1-based): chr15:25,339,154, C>T on the plus strand (G>A on the coding strand, the complement: UBE3A is on the minus strand). VCF-style: chr15-25339154-C-T. GRCh37 (hg19) VCF-style: chr15-25584301-C-T.
Other names: c.2611G>A, p.Gly871Arg (NM_000462.5); c.2602G>A, p.Gly868Arg (NM_001354505.1, NM_001354538.2); c.2542G>A, p.Gly848Arg (NM_001354506.2, NM_001354507.2, NM_001354508.2 and 14 more transcripts); c.2446G>A, p.Gly816Arg (NM_001354545.2); c.2425G>A, p.Gly809Arg (NM_001354546.2); c.2386G>A, p.Gly796Arg (NM_001354547.2, NM_001354548.2); c.2377G>A, p.Gly793Arg (NM_001354549.2); c.1351G>A, p.Gly451Arg (NM_001354550.2); and 1 more; short protein forms G431R, G451R, G793R, G796R, G809R, G816R, G848R, G868R.
Identifiers: ClinVar variation 3906458 (VCV003906458.1).
Genomic context (GRCh38, chr15:25,339,154, plus strand): 5'-TTTTTTCCTTCCTTTTTTTTGTTTTATTTTGTTTTGTTTTGTTTTACAGCATGCCAAATC[C>T]TTTGGCATACGTGATGGCCTTCAACAATCTCTCTTTAAGTTTTTCTTTGCTTGAGTATTC-3'
Protein context (NP_570854.1, residues 858-872): RLLKAITYAK[Gly868Arg]FGML